The following is an entry in ClinVar:

NM_001384732.1(CPLANE1):c.9251C>T (p.Pro3084Leu)

Gene: CPLANE1 (ciliogenesis and planar polarity effector complex subunit 1; minus strand). Cytogenetic location: 5p13.2.
Variant type: single nucleotide variant.
Coding change: c.9251C>T on transcript NM_001384732.1 (MANE Select); coding-DNA position 9251, C replaced by T.
Protein change: p.Pro3084Leu; replaces proline 3084 with leucine.
Molecular consequence: missense variant.
Genome position (GRCh38, 1-based): chr5:37,120,275, G>A on the plus strand (C>T on the coding strand, the complement: CPLANE1 is on the minus strand). VCF-style: chr5-37120275-G-A. GRCh37 (hg19) VCF-style: chr5-37120377-G-A.
Other names: c.9089C>T, p.Pro3030Leu (NM_023073.4); short protein forms P3084L, P3030L.
Identifiers: ClinVar variation 1404982 (VCV001404982.7), dbSNP rs745740741, ClinGen allele CA3237523.

ClinVar aggregate classification (germline): Uncertain significance. Review status: criteria provided, multiple submitters, no conflicts (2 of 4 stars). 2 submissions from 2 submitters: Uncertain significance (2). Last evaluated 2022-07-25.

Allele frequency attached by ClinVar (database versions not stated): TOPMed below 0.00001; ExAC 0.00001; gnomAD 0.00001; gnomAD exomes 0.00001.
gnomAD v4.1: 9 of 1,600,026 alleles (0.00056%); highest among the groups gnomAD compares: Admixed American, 0.0053%; no homozygotes.

Submissions (2):

Labcorp Genetics (formerly Invitae), Labcorp
Classification: Uncertain significance. Last evaluated: 2022-07-25. Review status: criteria provided, single submitter. Criteria: Invitae Variant Classification Sherloc (09022015). Collection method: clinical testing. Allele origin: germline.
Comment: This variant has not been reported in the literature in individuals affected with CPLANE1-related conditions. This variant is present in population databases (rs745740741, gnomAD 0.007%). This sequence change replaces proline, which is neutral and non-polar, with leucine, which is neutral and non-polar, at codon 3030 of the CPLANE1 protein (p.Pro3030Leu). ClinVar contains an entry for this variant (Variation ID: 1404982). In summary, the available evidence is currently insufficient to determine the role of this variant in disease. Therefore, it has been classified as a Variant of Uncertain Significance. Advanced modeling of protein sequence and biophysical properties (such as structural, functional, and spatial information, amino acid conservation, physicochemical variation, residue mobility, and thermodynamic stability) performed at Invitae indicates that this missense variant is not expected to disrupt CPLANE1 protein function.

Blueprint Genetics
Classification: Uncertain significance. Last evaluated: 2018-07-04. Review status: criteria provided, single submitter. Criteria: ACMG Guidelines, 2015. Collection method: clinical testing. Allele origin: germline.